The following is an entry in ClinVar:

NM_000038.6(APC):c.5298T>C (p.Asp1766=)

Gene: APC (APC regulator of Wnt signaling pathway; plus strand). Cytogenetic location: 5q22.2.
Variant type: single nucleotide variant.
Coding change: c.5298T>C on transcript NM_000038.6 (MANE Select); coding-DNA position 5298, T replaced by C.
Protein change: p.Asp1766=; no amino-acid change (aspartic acid 1766 retained).
Molecular consequence: synonymous variant.
Genome position (GRCh38, 1-based): chr5:112,840,892, T>C. VCF-style: chr5-112840892-T-C. GRCh37 (hg19) VCF-style: chr5-112176589-T-C.
Other names: c.5298T>C, p.Asp1766= (NM_001127510.3, NM_001354895.2); c.5244T>C, p.Asp1748= (NM_001127511.3); c.5352T>C, p.Asp1784= (NM_001354896.2); c.5328T>C, p.Asp1776= (NM_001354897.2); c.5223T>C, p.Asp1741= (NM_001354898.2); c.5214T>C, p.Asp1738= (NM_001354899.2); c.5175T>C, p.Asp1725= (NM_001354900.2); c.5121T>C, p.Asp1707= (NM_001354901.2); and 5 more.
Identifiers: ClinVar variation 380749 (VCV000380749.25), dbSNP rs781533317, ClinGen allele CA041274.

ClinVar aggregate classification (germline): Benign/Likely benign. Review status: criteria provided, multiple submitters, no conflicts (2 of 4 stars). 10 submissions from 10 submitters: Benign (4); Likely benign (6). Last evaluated 2026-09-01.

Conditions:
Hereditary cancer-predisposing syndrome. Also called: Hereditary neoplastic syndrome; Neoplastic Syndromes, Hereditary; Hereditary Cancer Syndrome; Tumor predisposition. Identifiers: Orphanet 140162, MedGen C0027672, MeSH D009386, MONDO:0015356.
Familial adenomatous polyposis 1 (FAP1). Also called: FAMILIAL ADENOMATOUS POLYPOSIS 1, ATTENUATED; POLYPOSIS, ADENOMATOUS INTESTINAL. Identifiers: MedGen C2713442, MONDO:0021056, OMIM 175100. Disease mechanism: loss of function.

Allele frequency attached by ClinVar (database versions not stated): gnomAD 0.00001; gnomAD exomes 0.00003 and 0.00013; TOPMed 0.00003; ExAC 0.00013.
gnomAD v4.1: 42 of 1,613,754 alleles (0.0026%); highest among the groups gnomAD compares: Admixed American, 0.067%; no homozygotes.

Submissions (10):

CeGaT Center for Human Genetics Tuebingen
Classification: Likely benign. Last evaluated: 2026-09-01. Review status: criteria provided, single submitter. Criteria: CeGaT Center For Human Genetics Tuebingen Variant Classification Criteria Version 2. Collection method: clinical testing. Allele origin: germline. Affected: yes. Observed: 2 variant alleles.
Comment: APC: BP4, BP7

Labcorp Genetics (formerly Invitae), Labcorp
Classification: Benign for Familial adenomatous polyposis 1. Last evaluated: 2026-01-26. Review status: criteria provided, single submitter. Criteria: Invitae Variant Classification Sherloc (09022015). Collection method: clinical testing. Allele origin: germline.

Blueprint Genetics
Classification: Likely benign. Last evaluated: 2024-11-04. Review status: criteria provided, single submitter. Criteria: ACMG Guidelines, 2015. Collection method: clinical testing. Allele origin: germline.

Myriad Genetics, Inc.
Classification: Benign for Familial adenomatous polyposis 1. Last evaluated: 2024-04-01. Review status: criteria provided, single submitter. Criteria: Myriad Autosomal Dominant, Autosomal Recessive and X-Linked Classification Criteria (2023). Collection method: clinical testing. Allele origin: unknown.
Comment: This variant is considered benign. This variant is a silent/synonymous amino acid change and it is not expected to impact splicing.

Women's Health and Genetics/Laboratory Corporation of America, LabCorp
Classification: Benign. Last evaluated: 2022-12-10. Review status: criteria provided, single submitter. Criteria: LabCorp Variant Classification Summary - May 2015. Collection method: clinical testing. Allele origin: germline.

Quest Diagnostics Nichols Institute San Juan Capistrano
Classification: Benign. Last evaluated: 2021-04-29. Review status: criteria provided, single submitter. Criteria: Quest Diagnostics criteria. Collection method: clinical testing. Allele origin: unknown.

Color Diagnostics, LLC DBA Color Health
Classification: Likely benign for Hereditary cancer-predisposing syndrome. Last evaluated: 2017-11-26. Review status: criteria provided, single submitter. Criteria: ACMG Guidelines, 2015. Collection method: clinical testing. Allele origin: germline.

PreventionGenetics, part of Exact Sciences
Classification: Likely benign. Last evaluated: 2017-11-20. Review status: criteria provided, single submitter. Criteria: ACMG Guidelines, 2015. Collection method: clinical testing. Allele origin: germline.

GeneDx
Classification: Likely benign. Last evaluated: 2015-09-30. Review status: criteria provided, single submitter. Criteria: GeneDx Variant Classification (06012015). Collection method: clinical testing. Allele origin: germline. Affected: yes.
Comment: This variant is considered likely benign or benign based on one or more of the following criteria: it is a conservative change, it occurs at a poorly conserved position in the protein, it is predicted to be benign by multiple in silico algorithms, and/or has population frequency not consistent with disease.

Ambry Genetics
Classification: Likely benign for Hereditary cancer-predisposing syndrome. Last evaluated: 2015-01-05. Review status: criteria provided, single submitter. Criteria: Ambry Variant Classification Scheme 2023. Collection method: clinical testing. Allele origin: germline.